The following is an entry in ClinVar:

NM_000548.5(TSC2):c.1939G>T (p.Asp647Tyr)

Gene: TSC2 (TSC complex subunit 2; plus strand). Cytogenetic location: 16p13.3.
Variant type: single nucleotide variant.
Coding change: c.1939G>T on transcript NM_000548.5 (MANE Select); coding-DNA position 1939, G replaced by T.
Protein change: p.Asp647Tyr; replaces aspartic acid 647 with tyrosine.
Molecular consequence: missense variant.
Genome position (GRCh38, 1-based): chr16:2,071,609, G>T. VCF-style: chr16-2071609-G-T. GRCh37 (hg19) VCF-style: chr16-2121610-G-T.
Other names: c.1939G>T, p.Asp647Tyr (NM_001077183.3, NM_001114382.3, NM_001363528.2 and 6 more transcripts); c.1828G>T, p.Asp610Tyr (NM_001318827.2, NM_001406670.1, NM_001406678.1); c.1792G>T, p.Asp598Tyr (NM_001318829.2, NM_001406675.1, NM_001406676.1 and 1 more transcripts); c.1339G>T, p.Asp447Tyr (NM_001318831.2, NM_001406682.1, NM_001406683.1 and 6 more transcripts); c.1972G>T, p.Asp658Tyr (NM_001318832.2); c.2029G>T, p.Asp677Tyr (NM_001406667.1, NM_001406668.1); c.595G>T, p.Asp199Tyr (NM_001406689.1, NM_001406690.1, NM_001406691.1 and 6 more transcripts); c.337G>T, p.Asp113Tyr (NM_001406698.1); and 3 more; short protein forms D113Y, D598Y, D643Y, D677Y, D628Y, D647Y, D658Y, D493Y.
Identifiers: ClinVar variation 1960039 (VCV001960039.6), dbSNP rs45509392, ClinGen allele CA034632.
Genomic context (GRCh38, chr16:2,071,609, plus strand): 5'-CACCGCCTGGGCCTGCCCAACAAGGATGGAGTCGTGCGGTTCAGCCCCTACTGCGTCTGC[G>T]ACTACATGTACGCGGGACCTCGCCCACGGCCCATGAGGCTCAGGGCGTCAGAGGCGCTGG-3'
Protein context (NP_000539.2, residues 637-657): VVRFSPYCVC[Asp647Tyr]YMEPERGSEK

ClinVar aggregate classification (germline): Conflicting classifications of pathogenicity. Review status: criteria provided, conflicting classifications (1 of 4 stars). 2 submissions from 2 submitters: Uncertain significance (1); Benign (1). Last evaluated 2025-04-28.

Conditions:
Hereditary cancer-predisposing syndrome. Also called: Tumor predisposition; Hereditary neoplastic syndrome; Hereditary Cancer Syndrome; Neoplastic Syndromes, Hereditary. Identifiers: Orphanet 140162, MedGen C0027672, MeSH D009386, MONDO:0015356.
Tuberous sclerosis 2 (TSC2). Identifiers: Orphanet 805, MedGen C1860707, MONDO:0013199, OMIM 613254.

Allele frequency attached by ClinVar (database versions not stated): 1000 Genomes Project 30x 0.00031.

Submissions (2):

Ambry Genetics
Classification: Uncertain significance for Hereditary cancer-predisposing syndrome. Last evaluated: 2025-04-28. Review status: criteria provided, single submitter. Criteria: Ambry Variant Classification Scheme 2023. Collection method: clinical testing. Allele origin: germline.
Comment: The p.D647Y variant (also known as c.1939G>T), located in coding exon 17 of the TSC2 gene, results from a G to T substitution at nucleotide position 1939. The aspartic acid at codon 647 is replaced by tyrosine, an amino acid with highly dissimilar properties. This amino acid position is highly conserved in available vertebrate species. In addition, this alteration is predicted to be deleterious by in silico analysis. Based on the available evidence, the clinical significance of this variant remains unclear.

Labcorp Genetics (formerly Invitae), Labcorp
Classification: Benign for Tuberous sclerosis 2. Last evaluated: 2022-04-16. Review status: criteria provided, single submitter. Criteria: Invitae Variant Classification Sherloc (09022015). Collection method: clinical testing. Allele origin: germline.